The following is an entry in ClinVar:

ClinVar aggregate classification (germline): Conflicting classifications of pathogenicity. Review status: criteria provided, conflicting classifications (1 of 4 stars). 4 submissions from 4 submitters: Uncertain significance (3); Likely benign (1). Last evaluated 2025-12-30.

Conditions:
Landau-Kleffner syndrome (FESD). Also called: EPILEPSY, FOCAL, WITH SPEECH DISORDER AND WITH OR WITHOUT MENTAL RETARDATION; APHASIA, ACQUIRED, WITH EPILEPSY. Identifiers: Orphanet 1945, Orphanet 725, Orphanet 98818, MedGen C0282512, MONDO:0009509, OMIM 245570.

Allele frequency attached by ClinVar (database versions not stated): gnomAD exomes 0.00004; ExAC 0.00005; TOPMed below 0.00001.
gnomAD v4.1: 17 of 1,614,040 alleles (0.0011%); highest among the groups gnomAD compares: South Asian, 0.016%; no homozygotes.

Submissions (4):

Women's Health and Genetics/Laboratory Corporation of America, LabCorp
Classification: Uncertain significance. Last evaluated: 2025-12-30. Review status: criteria provided, single submitter. Criteria: LabCorp Variant Classification Summary - May 2015. Collection method: clinical testing. Allele origin: germline.
Comment: Variant summary: GRIN2A c.3120G>C (p.Glu1040Asp) results in a conservative amino acid change in the encoded protein sequence. Algorithms developed to predict the effect of missense changes on protein structure and function are either unavailable or do not agree on the potential impact of this missense change. The variant allele was found at a frequency of 3.6e-05 in 251326 control chromosomes. The available data on variant occurrences in the general population are insufficient to allow any conclusion about variant significance. c.3120G>C has been observed in an individual affected with Epilepsy, Focal, With Speech Disorder And With Or Without Mental Retardation (Chevarin_2020). These data do not allow any conclusion about variant significance. To our knowledge, no experimental evidence demonstrating an impact on protein function has been reported. The following publication have been ascertained in the context of this evaluation (PMID: 32277047). ClinVar contains an entry for this variant (Variation ID: 426633). Based on the evidence outlined above, the variant was classified as uncertain significance.

Labcorp Genetics (formerly Invitae), Labcorp
Classification: Likely benign for Landau-Kleffner syndrome. Last evaluated: 2025-05-11. Review status: criteria provided, single submitter. Criteria: Invitae Variant Classification Sherloc (09022015). Collection method: clinical testing. Allele origin: germline.

CeGaT Center for Human Genetics Tuebingen
Classification: Uncertain significance. Last evaluated: 2017-10-01. Review status: criteria provided, single submitter. Criteria: CeGaT Center For Human Genetics Tuebingen Variant Classification Criteria Version 2. Collection method: clinical testing. Allele origin: germline. Affected: yes. Observed: 1 variant allele.

GeneDx
Classification: Uncertain significance. Last evaluated: 2017-04-10. Review status: criteria provided, single submitter. Criteria: GeneDx Variant Classification (06012015). Collection method: clinical testing. Allele origin: germline. Affected: yes.
Comment: A variant of uncertain significance has been identified in the GRIN2A gene. The E1040D variant has not been published as a pathogenic variant, nor has it been reported as a benign variant to our knowledge. The E1040D variant is observed in 6/16512 (0.04%) alleles from individuals of South Asian background (Lek et al., 2016; 1000 Genomes Consortium et al., 2015; Exome Variant Server). This substitution occurs at a position that is conserved in mammals. However, the E1040D variant is a conservative amino acid substitution, which is not likely to impact secondary protein structure as these residues share similar properties. In silico analysis is inconsistent in its predictions as to whether or not the variant is damaging to the protein structure/function. Therefore, based on the currently available information, it is unclear whether this variant is a pathogenic variant or a rare benign variant.

Literature cited by the submitters: PubMed 32277047 (cited by Women's Health and Genetics/Laboratory Corporation of America, LabCorp).

NM_001134407.3(GRIN2A):c.3120G>C (p.Glu1040Asp)

Gene: GRIN2A (glutamate ionotropic receptor NMDA type subunit 2A; minus strand). Cytogenetic location: 16p13.2.
Variant type: single nucleotide variant.
Coding change: c.3120G>C on transcript NM_001134407.3 (MANE Select); coding-DNA position 3120, G replaced by C.
Protein change: p.Glu1040Asp; replaces glutamic acid 1040 with aspartic acid.
Molecular consequence: missense variant.
Genome position (GRCh38, 1-based): chr16:9,764,424, C>G on the plus strand (G>C on the coding strand, the complement: GRIN2A is on the minus strand). VCF-style: chr16-9764424-C-G. GRCh37 (hg19) VCF-style: chr16-9858281-C-G.
Other names: c.3120G>C, p.Glu1040Asp (NM_000833.5, NM_001134408.2); short protein forms E1040D.
Identifiers: ClinVar variation 426633 (VCV000426633.51), dbSNP rs756663920, ClinGen allele CA7896370.